The following is an entry in ClinVar:

ClinVar aggregate classification (germline): Uncertain significance. Review status: criteria provided, multiple submitters, no conflicts (2 of 4 stars). 2 submissions from 2 submitters: Uncertain significance (2). Last evaluated 2026-04-15.

Conditions:
Inborn genetic diseases. Identifiers: MedGen C0950123, MeSH D030342.
Wilms tumor 1 (WT1). Also called: Wilms tumor, somatic. Identifiers: Orphanet 654, MedGen CN033288, MONDO:0008679, OMIM 194070.
11p partial monosomy syndrome (WAGR). Also called: WAGR syndrome; WAGR Complex; CHROMOSOME 11p13 DELETION SYNDROME; WAGR Spectrum Disorder. Identifiers: Orphanet 893, MedGen C0206115, MONDO:0008681, OMIM 194072.
Frasier syndrome. Identifiers: Orphanet 347, MedGen C0950122, MeSH D052159, MONDO:0007635, OMIM 136680.
Drash syndrome (DDS). Also called: WILMS TUMOR AND PSEUDO- OR TRUE HERMAPHRODITISM; NEPHROPATHY, WILMS TUMOR, AND GENITAL ANOMALIES. Identifiers: Orphanet 220, MedGen C0950121, MONDO:0008682, OMIM 194080.

Submissions (2):

Ambry Genetics
Classification: Uncertain significance for Inborn genetic diseases. Last evaluated: 2026-04-15. Review status: criteria provided, single submitter. Criteria: Ambry Variant Classification Scheme 2023. Collection method: clinical testing. Allele origin: germline.
Comment: The p.T358S variant (also known as c.1072A>T), located in coding exon 6 of the WT1 gene, results from an A to T substitution at nucleotide position 1072. The threonine at codon 358 is replaced by serine, an amino acid with similar properties. This amino acid position is highly conserved in available vertebrate species. In addition, the in silico prediction for this alteration is inconclusive. Based on the available evidence, the clinical significance of this variant remains unclear.

Labcorp Genetics (formerly Invitae), Labcorp
Classification: Uncertain significance for Wilms tumor 1; Drash syndrome; 11p partial monosomy syndrome; Frasier syndrome. Last evaluated: 2022-07-30. Review status: criteria provided, single submitter. Criteria: Invitae Variant Classification Sherloc (09022015). Collection method: clinical testing. Allele origin: germline.
Comment: This variant is not present in population databases (gnomAD no frequency). In summary, the available evidence is currently insufficient to determine the role of this variant in disease. Therefore, it has been classified as a Variant of Uncertain Significance. Algorithms developed to predict the effect of missense changes on protein structure and function (SIFT, PolyPhen-2, Align-GVGD) all suggest that this variant is likely to be disruptive. This variant has not been reported in the literature in individuals affected with WT1-related conditions. This sequence change replaces threonine, which is neutral and polar, with serine, which is neutral and polar, at codon 358 of the WT1 protein (p.Thr358Ser).

NM_024426.6(WT1):c.1087A>T (p.Thr363Ser)

Gene: WT1 (WT1 transcription factor; minus strand). Cytogenetic location: 11p13.
Variant type: single nucleotide variant.
Coding change: c.1087A>T on transcript NM_024426.6 (MANE Select); coding-DNA position 1087, A replaced by T.
Protein change: p.Thr363Ser; replaces threonine 363 with serine.
Molecular consequence: missense variant. On other transcripts: 5 prime UTR variant (1), non-coding transcript variant (1).
Genome position (GRCh38, 1-based): chr11:32,399,974, T>A on the plus strand (A>T on the coding strand, the complement: WT1 is on the minus strand). VCF-style: chr11-32399974-T-A. GRCh37 (hg19) VCF-style: chr11-32421520-T-A.
Other names: c.1072A>T (NM_024426.4); c.436A>T, p.Thr146Ser (NM_001198551.2); c.385A>T, p.Thr129Ser (NM_001198552.2); c.-102A>T (NM_001367854.1); c.1081A>T, p.Thr361Ser (NM_001407044.1); c.1036A>T, p.Thr346Ser (NM_001407045.1, NM_001407048.1, NM_000378.6 and 1 more transcripts); c.1087A>T, p.Thr363Ser (NM_001407046.1, NM_024424.5); c.964A>T, p.Thr322Ser (NM_001407047.1); and 3 more; short protein forms T129S, T146S, T305S, T361S, T109S, T322S, T346S, T358S.
Identifiers: ClinVar variation 1991959 (VCV001991959.5), dbSNP rs1852098583, ClinGen allele CA379960310.